The following is an entry in ClinVar:

NM_002109.6(HARS1):c.17C>G (p.Ala6Gly)

Genes: HARS1 (histidyl-tRNA synthetase 1; minus strand), LOC129994848 (ATAC-STARR-seq lymphoblastoid active region 23285; plus strand). Cytogenetic location: 5q31.3.
Variant type: single nucleotide variant.
Coding change: c.17C>G on transcript NM_002109.6 (MANE Select); coding-DNA position 17, C replaced by G.
Protein change: p.Ala6Gly; replaces alanine 6 with glycine.
Molecular consequence: missense variant. On other transcripts: intron variant (1).
Genome position (GRCh38, 1-based): chr5:140,691,288, G>C on the plus strand (C>G on the coding strand, the complement: HARS1 is on the minus strand). VCF-style: chr5-140691288-G-C. GRCh37 (hg19) VCF-style: chr5-140070873-G-C.
Other names: c.17C>G, p.Ala6Gly (NM_001258040.3, NM_001258041.3, NM_001258042.3 and 2 more transcripts); c.3+14C>G (NM_001289094.2); short protein forms A6G.
Identifiers: ClinVar variation 963359 (VCV000963359.10), dbSNP rs1461976080, ClinGen allele CA361191868.

ClinVar aggregate classification (germline): Uncertain significance (1 of 4 stars; one submission).

Conditions:
Usher syndrome type 3B. Also called: USHER SYNDROME, TYPE IIIB. Identifiers: MedGen C3281066, MONDO:0013788, OMIM 614504.

Allele frequency attached by ClinVar (database versions not stated): gnomAD 0.00001; gnomAD exomes 0.00001.
gnomAD v4.1: 5 of 1,606,452 alleles (0.00031%); highest among the groups gnomAD compares: East Asian, 0.0045%; no homozygotes.

Submission:

Labcorp Genetics (formerly Invitae), Labcorp
Classification: Uncertain significance for Usher syndrome type 3B. Last evaluated: 2020-10-06. Review status: criteria provided, single submitter. Criteria: Invitae Variant Classification Sherloc (09022015). Collection method: clinical testing. Allele origin: germline.
Comment: This sequence change replaces alanine with glycine at codon 6 of the HARS protein (p.Ala6Gly). The alanine residue is weakly conserved and there is a small physicochemical difference between alanine and glycine. Algorithms developed to predict the effect of missense changes on protein structure and function (SIFT, PolyPhen-2, Align-GVGD) all suggest that this variant is likely to be tolerated, but these predictions have not been confirmed by published functional studies and their clinical significance is uncertain. In summary, the available evidence is currently insufficient to determine the role of this variant in disease. Therefore, it has been classified as a Variant of Uncertain Significance. This variant has not been reported in the literature in individuals with HARS-related conditions. This variant is not present in population databases (ExAC no frequency).